The following is an entry in ClinVar:

ClinVar aggregate classification (germline): Uncertain significance (1 of 4 stars; one submission).

Conditions:
Familial adenomatous polyposis 1 (FAP1). Also called: FAMILIAL ADENOMATOUS POLYPOSIS 1, ATTENUATED; POLYPOSIS, ADENOMATOUS INTESTINAL. Identifiers: MedGen C2713442, MONDO:0021056, OMIM 175100. Disease mechanism: loss of function.

Submission:

Labcorp Genetics (formerly Invitae), Labcorp
Classification: Uncertain significance for Familial adenomatous polyposis 1. Last evaluated: 2022-07-09. Review status: criteria provided, single submitter. Criteria: Invitae Variant Classification Sherloc (09022015). Collection method: clinical testing. Allele origin: germline.
Comment: This sequence change replaces serine, which is neutral and polar, with arginine, which is basic and polar, at codon 2260 of the APC protein (p.Ser2260Arg). This variant is not present in population databases (gnomAD no frequency). This variant has not been reported in the literature in individuals affected with APC-related conditions. Algorithms developed to predict the effect of missense changes on protein structure and function are either unavailable or do not agree on the potential impact of this missense change (SIFT: "Deleterious"; PolyPhen-2: "Possibly Damaging"; Align-GVGD: "Class C15"). In summary, the available evidence is currently insufficient to determine the role of this variant in disease. Therefore, it has been classified as a Variant of Uncertain Significance.

NM_000038.6(APC):c.6778A>C (p.Ser2260Arg)

Gene: APC (APC regulator of Wnt signaling pathway; plus strand). Cytogenetic location: 5q22.2.
Variant type: single nucleotide variant.
Coding change: c.6778A>C on transcript NM_000038.6 (MANE Select); coding-DNA position 6778, A replaced by C.
Protein change: p.Ser2260Arg; replaces serine 2260 with arginine.
Molecular consequence: missense variant.
Genome position (GRCh38, 1-based): chr5:112,842,372, A>C. VCF-style: chr5-112842372-A-C. GRCh37 (hg19) VCF-style: chr5-112178069-A-C.
Other names: c.6778A>C, p.Ser2260Arg (NM_001127510.3, NM_001354895.2, NM_001407450.1); c.6724A>C, p.Ser2242Arg (NM_001127511.3); c.6832A>C, p.Ser2278Arg (NM_001354896.2, NM_001407447.1, NM_001407448.1 and 1 more transcripts); c.6808A>C, p.Ser2270Arg (NM_001354897.2); c.6703A>C, p.Ser2235Arg (NM_001354898.2); c.6694A>C, p.Ser2232Arg (NM_001354899.2); c.6655A>C, p.Ser2219Arg (NM_001354900.2); c.6601A>C, p.Ser2201Arg (NM_001354901.2, NM_001407453.1); and 11 more; short protein forms S2131R, S2232R, S2235R, S2270R, S1977R, S2100R, S2201R, S2242R.
Identifiers: ClinVar variation 2015618 (VCV002015618.4), dbSNP rs2149972924, ClinGen allele CA16036134.
Genomic context (GRCh38, chr5:112,842,372, plus strand): 5'-TCCTCAAGTACAAGTCCTGTTTCTAAAAAAGGCCCACCCCTTAAGACTCCAGCCTCCAAA[A>C]GCCCTAGTGAAGGTCAAACAGCCACCACTTCTCCTAGAGGAGCCAAGCCATCTGTGAAAT-3'
Protein context (NP_000029.2, residues 2250-2270): GPPLKTPASK[Ser2260Arg]PSEGQTATTS